The following is an entry in ClinVar:

NM_001035.3(RYR2):c.1256T>G (p.Ile419Ser)

Gene: RYR2 (ryanodine receptor 2; plus strand). Cytogenetic location: 1q43.
Variant type: single nucleotide variant.
Coding change: c.1256T>G on transcript NM_001035.3 (MANE Select); coding-DNA position 1256, T replaced by G.
Protein change: p.Ile419Ser; replaces isoleucine 419 with serine.
Molecular consequence: missense variant.
Genome position (GRCh38, 1-based): chr1:237,445,486, T>G. VCF-style: chr1-237445486-T-G. GRCh37 (hg19) VCF-style: chr1-237608786-T-G.
Other names: c.1256T>G, p.Ile419Ser (LRG_402t1); short protein forms I419S.
Identifiers: ClinVar variation 463558 (VCV000463558.2), dbSNP rs1553454866, ClinGen allele CA345377783.

ClinVar aggregate classification (germline): Uncertain significance (1 of 4 stars; one submission).

Conditions:
Catecholaminergic polymorphic ventricular tachycardia (CVPT). Also called: Catecholamine-induced polymorphic ventricular tachycardia. Identifiers: Orphanet 3286, MedGen C5574922, MONDO:0017990.

Submission:

Labcorp Genetics (formerly Invitae), Labcorp
Classification: Uncertain significance for Catecholaminergic polymorphic ventricular tachycardia 1. Last evaluated: 2017-08-11. Review status: criteria provided, single submitter. Criteria: Invitae Variant Classification Sherloc (09022015). Collection method: clinical testing. Allele origin: germline.
Comment: This sequence change replaces isoleucine with serine at codon 419 of the RYR2 protein (p.Ile419Ser). The isoleucine residue is highly conserved and there is a large physicochemical difference between isoleucine and serine. This variant is not present in population databases (ExAC no frequency). This variant has not been reported in the literature in individuals with a RYR2-related disease. This variant occurs within one of the three regions of the RYR2 gene (N-terminal domain, central domain, or channel region) where other pathogenic variants have been reported to cluster (PMID: 19926015). Algorithms developed to predict the effect of missense changes on protein structure and function (SIFT, PolyPhen-2, Align-GVGD) all suggest that this variant is likely to be disruptive, but these predictions have not been confirmed by published functional studies and their clinical significance is uncertain. In summary, this variant has uncertain impact on RYR2 function. The available evidence is currently insufficient to determine its role in disease. Therefore, it has been classified as a Variant of Uncertain Significance.

Literature cited by the submitters: PubMed 19926015.